The following is an entry in ClinVar:

ClinVar aggregate classification (germline): Uncertain significance. Review status: criteria provided, multiple submitters, no conflicts (2 of 4 stars). 2 submissions from 2 submitters: Uncertain significance (2). Last evaluated 2025-07-01.

Allele frequency attached by ClinVar (database versions not stated): gnomAD 0.00001; gnomAD exomes 0.00002; TOPMed 0.00002.

Submissions (2):

Labcorp Genetics (formerly Invitae), Labcorp
Classification: Uncertain significance. Last evaluated: 2025-07-01. Review status: criteria provided, single submitter. Criteria: Invitae Variant Classification Sherloc (09022015). Collection method: clinical testing. Allele origin: germline.
Comment: This sequence change replaces glycine, which is neutral and non-polar, with valine, which is neutral and non-polar, at codon 157 of the COX4I2 protein (p.Gly157Val). This variant is present in population databases (no rsID available, gnomAD 0.003%). This variant has not been reported in the literature in individuals affected with COX4I2-related conditions. ClinVar contains an entry for this variant (Variation ID: 3076466). An algorithm developed to predict the effect of missense changes on protein structure and function (PolyPhen-2) suggests that this variant is likely to be disruptive. In summary, the available evidence is currently insufficient to determine the role of this variant in disease. Therefore, it has been classified as a Variant of Uncertain Significance.

Ambry Genetics
Classification: Uncertain significance. Last evaluated: 2024-01-16. Review status: criteria provided, single submitter. Criteria: Ambry Variant Classification Scheme 2023. Collection method: clinical testing. Allele origin: germline.

NM_032609.3(COX4I2):c.470G>T (p.Gly157Val)

Gene: COX4I2 (cytochrome c oxidase subunit 4I2; plus strand). Cytogenetic location: 20q11.21.
Variant type: single nucleotide variant.
Coding change: c.470G>T on transcript NM_032609.3 (MANE Select); coding-DNA position 470, G replaced by T.
Protein change: p.Gly157Val; replaces glycine 157 with valine.
Molecular consequence: missense variant.
Genome position (GRCh38, 1-based): chr20:31,644,858, G>T. VCF-style: chr20-31644858-G-T. GRCh37 (hg19) VCF-style: chr20-30232661-G-T.
Other names: short protein forms G157V.
Identifiers: ClinVar variation 3076466 (VCV003076466.2), dbSNP rs1438970201, ClinGen allele CA408579813.